The following is an entry in ClinVar:

NM_001184880.2(PCDH19):c.1300C>T (p.Gln434Ter)

Gene: PCDH19 (protocadherin 19; minus strand). Cytogenetic location: Xq22.1.
Variant type: single nucleotide variant.
Coding change: c.1300C>T on transcript NM_001184880.2 (MANE Select); coding-DNA position 1300, C replaced by T.
Protein change: p.Gln434Ter; replaces glutamine 434 with a stop codon.
Molecular consequence: nonsense.
Genome position (GRCh38, 1-based): chrX:100,407,298, G>A on the plus strand (C>T on the coding strand, the complement: PCDH19 is on the minus strand). VCF-style: chrX-100407298-G-A. GRCh37 (hg19) VCF-style: chrX-99662296-G-A.
Other names: c.1300C>T, p.Gln434Ter (NM_001105243.2, NM_020766.3); short protein forms Q434*.
Identifiers: ClinVar variation 844581 (VCV000844581.8), dbSNP rs1928398128, ClinGen allele CA414003173.

ClinVar aggregate classification (germline): Pathogenic (1 of 4 stars; one submission).

Conditions:
Developmental and epileptic encephalopathy, 9 (DEE9). Also called: PCDH19-Related X-Linked Female-Limited Epilepsy with Mental Retardation; Early infantile epileptic encephalopathy 9; JUBERG-HELLMAN SYNDROME; EPILEPSY, FEMALE-RESTRICTED, WITH MENTAL RETARDATION. Identifiers: Orphanet 101039, Orphanet 2076, MedGen C1848137, MONDO:0010246, OMIM 300088. Disease mechanism: loss of function.

Submission:

Labcorp Genetics (formerly Invitae), Labcorp
Classification: Pathogenic for Developmental and epileptic encephalopathy, 9. Last evaluated: 2021-01-19. Review status: criteria provided, single submitter. Criteria: Invitae Variant Classification Sherloc (09022015). Collection method: clinical testing. Allele origin: germline.
Comment: For these reasons, this variant has been classified as Pathogenic. Loss-of-function variants in PCDH19 are known to be pathogenic (PMID: 21053371). This variant has not been reported in the literature in individuals with PCDH19-related conditions. This variant is not present in population databases (ExAC no frequency). This sequence change creates a premature translational stop signal (p.Gln434*) in the PCDH19 gene. It is expected to result in an absent or disrupted protein product.

Literature cited by the submitters: PubMed 21053371.